The following is an entry in ClinVar:

ClinVar aggregate classification (germline): Pathogenic. Review status: criteria provided, multiple submitters, no conflicts (2 of 4 stars). 2 submissions from 2 submitters: Pathogenic (2). Last evaluated 2024-10-11.

Conditions:
Inborn genetic diseases. Identifiers: MedGen C0950123, MeSH D030342.
Polycystic kidney disease, adult type (PKD1). Also called: POLYCYSTIC KIDNEY DISEASE, ADULT, TYPE I; Polycystic Kidney, Autosomal Dominant; Polycystic Kidney Disease 1, Autosomal Dominant; Polycystic kidney disease 1; Polycystic kidney disease 1, severe; POLYCYSTIC KIDNEY DISEASE 1 WITH OR WITHOUT POLYCYSTIC LIVER DISEASE. Identifiers: MedGen C3149841, MONDO:0008263, OMIM 173900.

Submissions (2):

Department of Pathology and Laboratory Medicine, Sinai Health System
Classification: Pathogenic for Polycystic kidney disease, adult type. Last evaluated: 2024-10-11. Review status: criteria provided, single submitter. Criteria: ACMG Guidelines, 2015. Collection method: clinical testing. Allele origin: germline. Affected: yes.

Ambry Genetics
Classification: Pathogenic for Inborn genetic diseases. Last evaluated: 2024-10-03. Review status: criteria provided, single submitter. Criteria: Ambry Variant Classification Scheme 2023. Collection method: clinical testing. Allele origin: germline.
Comment: The c.3514C>T (p.Q1172*) alteration, located in exon 15 (coding exon 15) of the PKD1 gene, consists of a C to T substitution at nucleotide position 3514. This changes the amino acid from a glutamine (Q) to a stop codon at amino acid position 1172. This alteration is expected to result in loss of function by premature protein truncation or nonsense-mediated mRNA decay. This variant was not reported in population-based cohorts in the Genome Aggregation Database (gnomAD). This variant was reported in multiple individuals with features consistent with PKD1-related polycystic kidney disease (Yilmaz, 2024; Nigro, 2023; Kim, 2019; Xu, 2018). Based on the available evidence, this alteration is classified as pathogenic.

Literature cited by the submitters: PubMed 29529603 (cited by Ambry Genetics); PubMed 31740684 (cited by Ambry Genetics); PubMed 37372416 (cited by Ambry Genetics); PubMed 38464892 (cited by Ambry Genetics).

NM_001009944.3(PKD1):c.3514C>T (p.Gln1172Ter)

Gene: PKD1 (polycystin 1, transient receptor potential channel interacting; minus strand). Cytogenetic location: 16p13.3.
Variant type: single nucleotide variant.
Coding change: c.3514C>T on transcript NM_001009944.3 (MANE Select); coding-DNA position 3514, C replaced by T.
Protein change: p.Gln1172Ter; replaces glutamine 1172 with a stop codon.
Molecular consequence: nonsense.
Genome position (GRCh38, 1-based): chr16:2,111,653, G>A on the plus strand (C>T on the coding strand, the complement: PKD1 is on the minus strand). VCF-style: chr16-2111653-G-A. GRCh37 (hg19) VCF-style: chr16-2161654-G-A.
Other names: c.3514C>T, p.Gln1172Ter (NM_000296.4); short protein forms Q1172*.
Identifiers: ClinVar variation 3418963 (VCV003418963.2).